The following is an entry in ClinVar:

NM_018943.3(TUBA8):c.73T>G (p.Cys25Gly)

Gene: TUBA8 (tubulin alpha 8; plus strand). Cytogenetic location: 22q11.21.
Variant type: single nucleotide variant.
Coding change: c.73T>G on transcript NM_018943.3 (MANE Select); coding-DNA position 73, T replaced by G.
Protein change: p.Cys25Gly; replaces cysteine 25 with glycine.
Molecular consequence: missense variant. On other transcripts: 5 prime UTR variant (1).
Genome position (GRCh38, 1-based): chr22:18,121,548, T>G. VCF-style: chr22-18121548-T-G. GRCh37 (hg19) VCF-style: chr22-18604315-T-G.
Other names: c.-126T>G (NM_001193414.2); short protein forms C25G.
Identifiers: ClinVar variation 3648713 (VCV003648713.2).

ClinVar aggregate classification (germline): Uncertain significance (1 of 4 stars; one submission).

Submission:

Labcorp Genetics (formerly Invitae), Labcorp
Classification: Uncertain significance. Last evaluated: 2024-04-03. Review status: criteria provided, single submitter. Criteria: Invitae Variant Classification Sherloc (09022015). Collection method: clinical testing. Allele origin: germline.
Comment: This sequence change replaces cysteine, which is neutral and slightly polar, with glycine, which is neutral and non-polar, at codon 25 of the TUBA8 protein (p.Cys25Gly). This variant is not present in population databases (gnomAD no frequency). This variant has not been reported in the literature in individuals affected with TUBA8-related conditions. Advanced modeling of protein sequence and biophysical properties (such as structural, functional, and spatial information, amino acid conservation, physicochemical variation, residue mobility, and thermodynamic stability) performed at Invitae indicates that this missense variant is not expected to disrupt TUBA8 protein function with a negative predictive value of 80%. In summary, the available evidence is currently insufficient to determine the role of this variant in disease. Therefore, it has been classified as a Variant of Uncertain Significance.